The following is an entry in ClinVar:

NM_000051.4(ATM):c.2466+978G>C

Gene: ATM (ATM serine/threonine kinase; plus strand). Cytogenetic location: 11q22.3.
Variant type: single nucleotide variant.
Coding change: c.2466+978G>C on transcript NM_000051.4 (MANE Select); 978 bases into the intron after coding-DNA position 2466, G replaced by C.
Molecular consequence: intron variant.
Genome position (GRCh38, 1-based): chr11:108,260,053, G>C. VCF-style: chr11-108260053-G-C. GRCh37 (hg19) VCF-style: chr11-108130780-G-C.
Other names: c.2466+978G>C (NM_001351834.2).
Identifiers: ClinVar variation 4616916 (VCV004616916.1).

ClinVar aggregate classification (germline): Uncertain significance (1 of 4 stars; one submission).

Conditions:
Hereditary cancer-predisposing syndrome. Also called: Neoplastic Syndromes, Hereditary; Tumor predisposition; Hereditary Cancer Syndrome; Hereditary neoplastic syndrome. Identifiers: Orphanet 140162, MedGen C0027672, MeSH D009386, MONDO:0015356.

Submission:

Ambry Genetics
Classification: Uncertain significance for Hereditary cancer-predisposing syndrome. Last evaluated: 2025-10-24. Review status: criteria provided, single submitter. Criteria: Ambry Variant Classification Scheme 2023. Collection method: clinical testing. Allele origin: germline.
Comment: The c.2466+978G>C intronic variant results from a G to C substitution 978 nucleotides after coding exon 15 in the ATM gene. This nucleotide position is highly conserved in available vertebrate species. In silico splice site analysis predicts that this alteration will result in the creation or strengthening of a novel splice acceptor site; however, direct evidence is insufficient at this time (Ambry internal data). Based on the available evidence, the clinical significance of this variant remains unclear.